The following is an entry in ClinVar:

ClinVar aggregate classification (germline): Likely benign (1 of 4 stars; one submission).

Allele frequency attached by ClinVar (database versions not stated): ESP Exome Variant Server 0.00038; gnomAD 0.00040; TOPMed 0.00041; 1000 Genomes Project 30x 0.00047; 1000 Genomes Project 0.00060; ExAC 0.00079.
gnomAD v4.1: 920 of 1,614,004 alleles (0.057%); highest among the groups gnomAD compares: Middle Eastern, 0.58%; 6 homozygotes.

Submission:

CeGaT Center for Human Genetics Tuebingen
Classification: Likely benign. Last evaluated: 2024-06-01. Review status: criteria provided, single submitter. Criteria: CeGaT Center For Human Genetics Tuebingen Variant Classification Criteria Version 2. Collection method: clinical testing. Allele origin: germline. Affected: yes. Observed: 3 variant alleles.
Comment: SETD6: BP4

NM_001160305.4(SETD6):c.481G>A (p.Glu161Lys)

Genes: SETD6 (SET domain containing 6, protein lysine methyltransferase; plus strand), LOC130059146 (ATAC-STARR-seq lymphoblastoid active region 10930; plus strand). Cytogenetic location: 16q21.
Variant type: single nucleotide variant.
Coding change: c.481G>A on transcript NM_001160305.4 (MANE Select); coding-DNA position 481, G replaced by A.
Protein change: p.Glu161Lys; replaces glutamic acid 161 with lysine.
Molecular consequence: missense variant. On other transcripts: non-coding transcript variant (1).
Genome position (GRCh38, 1-based): chr16:58,516,482, G>A. VCF-style: chr16-58516482-G-A. GRCh37 (hg19) VCF-style: chr16-58550386-G-A.
Other names: c.409G>A, p.Glu137Lys (NM_024860.3); short protein forms E137K, E161K.
Identifiers: ClinVar variation 2646570 (VCV002646570.24), dbSNP rs147467868, ClinGen allele CA8088134.